The following is an entry in ClinVar:

NM_025114.4(CEP290):c.5127_5143del (p.Ala1710fs)

Gene: CEP290 (centrosomal protein 290; minus strand). Cytogenetic location: 12q21.32.
Variant type: Deletion.
Coding change: c.5127_5143del on transcript NM_025114.4 (MANE Select); coding-DNA positions 5127 to 5143, 17 bases deleted (GGCTCAAAAAGAAGCAA).
Protein change: p.Ala1710fs; shifts the reading frame from alanine 1710.
Molecular consequence: frameshift variant.
Genome position (GRCh38, 1-based): chr12:88,080,265-88,080,281, TTGCTTCTTTTTGAGCC deleted on the plus strand (GGCTCAAAAAGAAGCAA on the coding strand, the reverse complement: CEP290 is on the minus strand); deleting any 17 consecutive bases within chr12:88,080,265-88,080,282 gives the same sequence; the c. name uses the placement nearest the transcript's 3' end. VCF-style (leftmost placement, unchanged base first): chr12-88080264-TTTGCTTCTTTTTGAGCC-T. GRCh37 (hg19) VCF-style: chr12-88474041-TTTGCTTCTTTTTGAGCC-T.
Other names: short protein forms A1710fs.
Identifiers: ClinVar variation 1456204 (VCV001456204.6), dbSNP rs2137103699, ClinGen allele CA2573149004.

ClinVar aggregate classification (germline): Pathogenic (1 of 4 stars; one submission).

Conditions:
Nephronophthisis. Also called: Juvenile Nephronophthisis. Identifiers: Orphanet 655, MedGen C0687120, MONDO:0019005, HP:0000090.
Meckel-Gruber syndrome. Also called: DYSENCEPHALIA SPLANCHNOCYSTICA; GRUBER SYNDROME; Dysencephalia splachnocystica. Identifiers: Orphanet 564, MedGen C0265215, MONDO:0018921.
Joubert syndrome. Also called: CEREBELLOPARENCHYMAL DISORDER IV; JOUBERT-BOLTSHAUSER SYNDROME; Familial aplasia of the vermis. Identifiers: Orphanet 475, MedGen C5979921, MONDO:0018772.

Submission:

Labcorp Genetics (formerly Invitae), Labcorp
Classification: Pathogenic for Joubert syndrome; Meckel-Gruber syndrome; Nephronophthisis. Last evaluated: 2021-08-15. Review status: criteria provided, single submitter. Criteria: Invitae Variant Classification Sherloc (09022015). Collection method: clinical testing. Allele origin: germline.
Comment: This variant has not been reported in the literature in individuals affected with CEP290-related conditions. For these reasons, this variant has been classified as Pathogenic. This variant is not present in population databases (ExAC no frequency). This sequence change creates a premature translational stop signal (p.Ala1710Phefs*30) in the CEP290 gene. It is expected to result in an absent or disrupted protein product. Loss-of-function variants in CEP290 are known to be pathogenic (PMID: 16909394, 17345604, 20690115).

Literature cited by the submitters: PubMed 16909394; PubMed 17345604; PubMed 20690115.